The following is an entry in ClinVar:

ClinVar aggregate classification (germline): Likely benign. Review status: criteria provided, multiple submitters, no conflicts (2 of 4 stars). 2 submissions from 2 submitters: Likely benign (2). Last evaluated 2025-02-11.

Conditions:
BDP1-related disorder. Also called: BDP1-related condition.

Allele frequency attached by ClinVar (database versions not stated): 1000 Genomes Project 0.00060; gnomAD exomes 0.00005 and 0.00015; ExAC 0.00017; 1000 Genomes Project 30x 0.00047; ESP Exome Variant Server 0.00051; gnomAD 0.00053 and 0.00059; TOPMed 0.00059.
gnomAD v4.1: 152 of 1,538,038 alleles (0.0099%); highest among the groups gnomAD compares: African/African-American, 0.18%; no homozygotes.

Submissions (2):

PreventionGenetics, part of Exact Sciences
Classification: Likely benign for BDP1-related condition. Last evaluated: 2025-02-11. Review status: criteria provided, single submitter. Criteria: ACMG Guidelines, 2015. Collection method: clinical testing. Allele origin: germline.
Comment: This variant is classified as likely benign based on ACMG/AMP sequence variant interpretation guidelines (Richards et al. 2015 PMID: 25741868, with internal and published modifications).

GeneDx
Classification: Likely benign. Last evaluated: 2018-03-26. Review status: criteria provided, single submitter. Criteria: GeneDx Variant Classification (06012015). Collection method: clinical testing. Allele origin: germline. Affected: yes.
Comment: This variant is considered likely benign or benign based on one or more of the following criteria: it is a conservative change, it occurs at a poorly conserved position in the protein, it is predicted to be benign by multiple in silico algorithms, and/or has population frequency not consistent with disease.

NM_018429.3(BDP1):c.1957-4A>G

Gene: BDP1 (BDP1 general transcription factor IIIB subunit; plus strand). Cytogenetic location: 5q13.2.
Variant type: single nucleotide variant.
Coding change: c.1957-4A>G on transcript NM_018429.3 (MANE Select); 4 bases into the intron before coding-DNA position 1957, A replaced by G.
Molecular consequence: intron variant.
Genome position (GRCh38, 1-based): chr5:71,501,558, A>G. VCF-style: chr5-71501558-A-G. GRCh37 (hg19) VCF-style: chr5-70797385-A-G.
Identifiers: ClinVar variation 680005 (VCV000680005.2), dbSNP rs151028489, ClinGen allele CA3296126.